The following is an entry in ClinVar:

NM_000053.4(ATP7B):c.383del (p.Gly128fs)

Gene: ATP7B (ATPase copper transporting beta; minus strand). Cytogenetic location: 13q14.3.
Variant type: Deletion.
Coding change: c.383del on transcript NM_000053.4 (MANE Select); coding-DNA position 383, one base deleted (G; older notation c.383delG).
Protein change: p.Gly128fs; shifts the reading frame from glycine 128.
Molecular consequence: frameshift variant.
Genome position (GRCh38, 1-based): chr13:51,974,837, C deleted on the plus strand (G on the coding strand, the reverse complement: ATP7B is on the minus strand); the first of 2 consecutive C bases (chr13:51,974,837-51,974,838); deleting either gives the same sequence. VCF-style (leftmost placement, unchanged base first): chr13-51974836-TC-T. GRCh37 (hg19) VCF-style: chr13-52548972-TC-T.
Other names: c.383delG (NM_001243182.1); c.383del, p.Gly128fs (NM_001005918.3, NM_001243182.2, NM_001330578.2 and 1 more transcripts); short protein forms G128fs.
Identifiers: ClinVar variation 208563 (VCV000208563.6), dbSNP rs797045083, ClinGen allele CA275984.

ClinVar aggregate classification (germline): Pathogenic. Review status: criteria provided, multiple submitters, no conflicts (2 of 4 stars). 2 submissions from 2 submitters: Pathogenic (2). Last evaluated 2021-08-10.

Conditions:
Wilson disease (WND). Also called: Wilson's disease. Identifiers: Orphanet 905, MedGen C0019202, MONDO:0010200, OMIM 277900. Disease mechanism: loss of function.

Submissions (2):

Genome-Nilou Lab
Classification: Pathogenic for Wilson disease. Last evaluated: 2021-08-10. Review status: criteria provided, single submitter. Criteria: ACMG Guidelines, 2015. Collection method: clinical testing. Allele origin: germline. Affected: no.

Laboratory for Molecular Medicine, Mass General Brigham Personalized Medicine
Classification: Pathogenic for Wilson's disease. Last evaluated: 2015-02-25. Review status: criteria provided, single submitter. Criteria: LMM Criteria. Collection method: clinical testing. Allele origin: germline. Inheritance: Autosomal recessive inheritance. Observed: 1 variant allele. Study: CSER-MedSeq.
Comment: The p.Gly128GlufsX25 variant in ATP7B has not been previously reported in individuals with Wilson disease and was absent from large population studies. This variant is predicted to cause a frameshift, which alters the protein’s amino acid sequence beginning at position 128 and leads to a premature termination codon 25 amino acids downstream. This alteration is then predicted to lead to a truncated or absent protein. Complete loss of ATP7B function is an established disease mechanism for Wilson disease. In summary, this variant meets our criteria to be classified as pathogenic for Wilson disease in an autosomal recessive manner.